The following is an entry in ClinVar:

ClinVar aggregate classification (germline): Uncertain significance (1 of 4 stars; one submission).

Submission:

Labcorp Genetics (formerly Invitae), Labcorp
Classification: Uncertain significance. Last evaluated: 2025-06-20. Review status: criteria provided, single submitter. Criteria: Invitae Variant Classification Sherloc (09022015). Collection method: clinical testing. Allele origin: germline.
Comment: This sequence change replaces proline, which is neutral and non-polar, with leucine, which is neutral and non-polar, at codon 207 of the MRPS22 protein (p.Pro207Leu). This variant is not present in population databases (gnomAD no frequency). This variant has not been reported in the literature in individuals affected with MRPS22-related conditions. Invitae Evidence Modeling of protein sequence and biophysical properties (such as structural, functional, and spatial information, amino acid conservation, physicochemical variation, residue mobility, and thermodynamic stability) indicates that this missense variant is not expected to disrupt MRPS22 protein function with a negative predictive value of 80%. In summary, the available evidence is currently insufficient to determine the role of this variant in disease. Therefore, it has been classified as a Variant of Uncertain Significance.

NM_020191.4(MRPS22):c.620C>T (p.Pro207Leu)

Gene: MRPS22 (mitochondrial ribosomal protein S22; plus strand). Cytogenetic location: 3q23.
Variant type: single nucleotide variant.
Coding change: c.620C>T on transcript NM_020191.4 (MANE Select); coding-DNA position 620, C replaced by T.
Protein change: p.Pro207Leu; replaces proline 207 with leucine.
Molecular consequence: missense variant.
Genome position (GRCh38, 1-based): chr3:139,350,294, C>T. VCF-style: chr3-139350294-C-T. GRCh37 (hg19) VCF-style: chr3-139069136-C-T.
Other names: c.497C>T, p.Pro166Leu (NM_001363857.1); c.617C>T, p.Pro206Leu (NM_001363893.1); short protein forms P166L, P206L, P207L.
Identifiers: ClinVar variation 4742453 (VCV004742453.1).
Genomic context (GRCh38, chr3:139,350,294, plus strand): 5'-AAGAACGGGACCGAATGATACAAGTTTATTTCCCAAAAGAAGGTCGTAAAATTTTGACAC[C>T]AATAATTTTCAAGGAAGAAAATCTTAGGGTAAGGTGACTTAGGTTTTATGTTTTAGAGCC-3'
Protein context (NP_064576.1, residues 197-217): FPKEGRKILT[Pro207Leu]IIFKEENLRT